The following is an entry in ClinVar:

ClinVar aggregate classification (germline): Uncertain significance (1 of 4 stars; one submission).

Submission:

GeneDx
Classification: Uncertain significance. Last evaluated: 2026-03-13. Review status: criteria provided, single submitter. Criteria: GeneDx Variant Classification Process June 2021. Collection method: clinical testing. Allele origin: germline.
Comment: In silico analysis supports that this missense variant has a deleterious effect on protein structure/function; In silico analysis supports a deleterious effect on splicing; Has not been previously published as pathogenic or benign to our knowledge

NM_001386298.1(CIC):c.6770G>A (p.Arg2257Lys)

Gene: CIC (capicua transcriptional repressor; plus strand). Cytogenetic location: 19q13.2.
Variant type: single nucleotide variant.
Coding change: c.6770G>A on transcript NM_001386298.1 (MANE Select); coding-DNA position 6770, G replaced by A.
Protein change: p.Arg2257Lys; replaces arginine 2257 with lysine.
Molecular consequence: missense variant. On other transcripts: splice acceptor variant (9).
Genome position (GRCh38, 1-based): chr19:42,293,937, G>A. VCF-style: chr19-42293937-G-A. GRCh37 (hg19) VCF-style: chr19-42798089-G-A.
Other names: c.6770G>A, p.Arg2257Lys (NM_001304815.2, NM_001439186.1); c.6767G>A, p.Arg2256Lys (NM_001379480.1); c.4043G>A, p.Arg1348Lys (NM_001379484.1, NM_015125.5); c.4040G>A, p.Arg1347Lys (NM_001439189.1); c.6768-1G>A (NM_001439183.1, NM_001439187.1, NM_001379482.1); c.6765-1G>A (NM_001439185.1, NM_001439188.1, NM_001439184.1); c.4041-1G>A (NM_001439190.1, NM_001379485.1); c.4038-1G>A (NM_001439191.1); short protein forms R1347K, R2257K, R1348K, R2256K.
Identifiers: ClinVar variation 5009169 (VCV005009169.1).